The following is an entry in ClinVar:

NM_001378454.1(ALMS1):c.4036C>T (p.Gln1346Ter)

Gene: ALMS1 (ALMS1 centrosome and basal body associated protein; plus strand). Cytogenetic location: 2p13.1.
Variant type: single nucleotide variant.
Coding change: c.4036C>T on transcript NM_001378454.1 (MANE Select); coding-DNA position 4036, C replaced by T.
Protein change: p.Gln1346Ter; replaces glutamine 1346 with a stop codon.
Molecular consequence: nonsense.
Genome position (GRCh38, 1-based): chr2:73,450,563, C>T. VCF-style: chr2-73450563-C-T. GRCh37 (hg19) VCF-style: chr2-73677690-C-T.
Other names: c.4039C>T, p.Gln1347Ter (NM_015120.4); short protein forms Q1346*, Q1347*.
Identifiers: ClinVar variation 2734226 (VCV002734226.3), dbSNP rs775149898, ClinGen allele CA347277329.

ClinVar aggregate classification (germline): Pathogenic (1 of 4 stars; one submission).

Conditions:
Alstrom syndrome (ALMS). Identifiers: Orphanet 64, MedGen C0268425, MONDO:0008763, OMIM 203800.

gnomAD v4.1: 1 of 1,612,774 alleles (0.000062%); highest among the groups gnomAD compares: Non-Finnish European, 0.000085%; no homozygotes.

Submission:

Labcorp Genetics (formerly Invitae), Labcorp
Classification: Pathogenic for Alstrom syndrome. Last evaluated: 2025-06-09. Review status: criteria provided, single submitter. Criteria: Invitae Variant Classification Sherloc (09022015). Collection method: clinical testing. Allele origin: germline.
Comment: This sequence change creates a premature translational stop signal (p.Gln1347*) in the ALMS1 gene. It is expected to result in an absent or disrupted protein product. Loss-of-function variants in ALMS1 are known to be pathogenic (PMID: 17594715). This variant is not present in population databases (gnomAD no frequency). This premature translational stop signal has been observed in individual(s) with Alström syndrome (PMID: 25846608, 30064963). ClinVar contains an entry for this variant (Variation ID: 2734226). For these reasons, this variant has been classified as Pathogenic.

Literature cited by the submitters: PubMed 17594715; PubMed 25846608; PubMed 30064963.